The following is an entry in ClinVar:

NM_138694.4(PKHD1):c.6122-13C>T

Gene: PKHD1 (PKHD1 ciliary IPT domain containing fibrocystin/polyductin; minus strand). Cytogenetic location: 6p12.2.
Variant type: single nucleotide variant.
Coding change: c.6122-13C>T on transcript NM_138694.4 (MANE Select); 13 bases into the intron before coding-DNA position 6122, C replaced by T.
Molecular consequence: intron variant.
Genome position (GRCh38, 1-based): chr6:51,912,589, G>A on the plus strand (C>T on the coding strand, the complement: PKHD1 is on the minus strand). VCF-style: chr6-51912589-G-A. GRCh37 (hg19) VCF-style: chr6-51777387-G-A.
Other names: c.6122-13C>T (NM_138694.3, NM_170724.3).
Identifiers: ClinVar variation 1584694 (VCV001584694.11), dbSNP rs757378511, ClinGen allele CA3852326.

ClinVar aggregate classification (germline): Likely benign. Review status: criteria provided, multiple submitters, no conflicts (2 of 4 stars). 3 submissions from 3 submitters: Likely benign (2). 1 of the submissions does not count toward it. Last evaluated 2026-01-12.

Conditions:
Autosomal recessive polycystic kidney disease (ARPKD). Also called: AR polycystic kidney disease. Identifiers: Orphanet 731, Orphanet 8378, MedGen C0085548, MeSH D017044, MONDO:0009889.
PKHD1-related disorder. Also called: PKHD1-related condition.

Allele frequency attached by ClinVar (database versions not stated): gnomAD 0.00002; TOPMed 0.00005; ExAC 0.00007; gnomAD exomes 0.00008.
gnomAD v4.1: 50 of 1,567,160 alleles (0.0032%); highest among the groups gnomAD compares: Admixed American, 0.035%; no homozygotes.

Submissions (3):

Labcorp Genetics (formerly Invitae), Labcorp
Classification: Likely benign for Autosomal recessive polycystic kidney disease. Last evaluated: 2026-01-12. Review status: criteria provided, single submitter. Criteria: Invitae Variant Classification Sherloc (09022015). Collection method: clinical testing. Allele origin: germline.

Blueprint Genetics
Classification: Likely benign. Last evaluated: 2023-02-14. Review status: criteria provided, single submitter. Criteria: ACMG Guidelines, 2015. Collection method: clinical testing. Allele origin: germline.

PreventionGenetics, part of Exact Sciences
Classification: Likely benign for PKHD1-related condition. Last evaluated: 2022-01-14. Review status: no assertion criteria provided. Collection method: clinical testing. Allele origin: germline. Not counted in ClinVar's aggregate classification.
Comment: This variant is classified as likely benign based on ACMG/AMP sequence variant interpretation guidelines (Richards et al. 2015 PMID: 25741868, with internal and published modifications).